The following is an entry in ClinVar:

NM_001374828.1(ARID1B):c.4613A>G (p.Asp1538Gly)

Gene: ARID1B (AT-rich interaction domain 1B; plus strand). Cytogenetic location: 6q25.3.
Variant type: single nucleotide variant.
Coding change: c.4613A>G on transcript NM_001374828.1 (MANE Select); coding-DNA position 4613, A replaced by G.
Protein change: p.Asp1538Gly; replaces aspartic acid 1538 with glycine.
Molecular consequence: missense variant.
Genome position (GRCh38, 1-based): chr6:157,200,838, A>G. VCF-style: chr6-157200838-A-G. GRCh37 (hg19) VCF-style: chr6-157521972-A-G.
Other names: c.4364A>G, p.Asp1455Gly (NM_001346813.1); c.2114A>G, p.Asp705Gly (NM_001363725.2); c.4493A>G, p.Asp1498Gly (NM_001371656.1, NM_001374820.1); c.4454A>G, p.Asp1485Gly (NM_017519.3); c.4244A>G, p.Asp1415Gly (NM_020732.3); c.4031A>G, p.Asp1344Gly (NM_175863.2); short protein forms D1498G, D1415G, D1344G, D1455G, D1485G, D1538G, D705G.
Identifiers: ClinVar variation 2299166 (VCV002299166.33), dbSNP rs769118968, ClinGen allele CA4067667.

ClinVar aggregate classification (germline): Conflicting classifications of pathogenicity. Review status: criteria provided, conflicting classifications (1 of 4 stars). 3 submissions from 3 submitters: Uncertain significance (1); Likely benign (2). Last evaluated 2023-02-01.

Conditions:
Inborn genetic diseases. Identifiers: MedGen C0950123, MeSH D030342.

Allele frequency attached by ClinVar (database versions not stated): ExAC 0.00002; TOPMed 0.00002; gnomAD 0.00003; gnomAD exomes 0.00003.
gnomAD v4.1: 58 of 1,613,932 alleles (0.0036%); highest among the groups gnomAD compares: Non-Finnish European, 0.0044%; no homozygotes.

Submissions (3):

CeGaT Center for Human Genetics Tuebingen
Classification: Likely benign. Last evaluated: 2023-02-01. Review status: criteria provided, single submitter. Criteria: CeGaT Center For Human Genetics Tuebingen Variant Classification Criteria Version 2. Collection method: clinical testing. Allele origin: germline. Affected: yes. Observed: 1 variant allele.
Comment: ARID1B: BP4, BP5

Labcorp Genetics (formerly Invitae), Labcorp
Classification: Uncertain significance. Last evaluated: 2023-01-14. Review status: criteria provided, single submitter. Criteria: Invitae Variant Classification Sherloc (09022015). Collection method: clinical testing. Allele origin: germline.
Comment: In summary, the available evidence is currently insufficient to determine the role of this variant in disease. Therefore, it has been classified as a Variant of Uncertain Significance. Advanced modeling of protein sequence and biophysical properties (such as structural, functional, and spatial information, amino acid conservation, physicochemical variation, residue mobility, and thermodynamic stability) has been performed at Invitae for this missense variant, however the output from this modeling did not meet the statistical confidence thresholds required to predict the impact of this variant on ARID1B protein function. This variant has not been reported in the literature in individuals affected with ARID1B-related conditions. This variant is present in population databases (rs769118968, gnomAD 0.006%). This sequence change replaces aspartic acid, which is acidic and polar, with glycine, which is neutral and non-polar, at codon 1415 of the ARID1B protein (p.Asp1415Gly).

Ambry Genetics
Classification: Likely benign for Inborn genetic diseases. Last evaluated: 2022-11-08. Review status: criteria provided, single submitter. Criteria: Ambry Variant Classification Scheme 2023. Collection method: clinical testing. Allele origin: germline.